The following is an entry in ClinVar:

NM_000492.4(CFTR):c.4C>T (p.Gln2Ter)

Gene: CFTR (CF transmembrane conductance regulator; plus strand). Cytogenetic location: 7q31.2.
Variant type: single nucleotide variant.
Coding change: c.4C>T on transcript NM_000492.4 (MANE Select); coding-DNA position 4, C replaced by T.
Protein change: p.Gln2Ter; replaces glutamine 2 with a stop codon.
Molecular consequence: nonsense.
Genome position (GRCh38, 1-based): chr7:117,480,098, C>T. VCF-style: chr7-117480098-C-T. GRCh37 (hg19) VCF-style: chr7-117120152-C-T.
Other names: short protein forms Q2*.
Identifiers: ClinVar variation 53980 (VCV000053980.19), dbSNP rs397508740, ClinGen allele CA327541.

ClinVar aggregate classification (germline): Pathogenic. Review status: reviewed by expert panel (3 of 4 stars). 11 submissions from 11 submitters: Pathogenic (1). 10 of the submissions do not count toward it. Last evaluated 2017-03-17.

Conditions:
CFTR-related disorder (CFTR-RD). Also called: CFTR-related condition; CFTR-related disorders. Identifiers: MedGen C5924204, MONDO:7770004.
Bronchiectasis with or without elevated sweat chloride 1 (BESC1). Also called: Cystic Fibrosis-Like Syndrome. Identifiers: Orphanet 60033, MedGen C2749757, MONDO:0008887, OMIM 211400.
Cystic fibrosis (CF). Also called: MUCOVISCIDOSIS. Identifiers: Orphanet 586, MedGen C0010674, MONDO:0009061, OMIM 219700. Disease mechanism: loss of function.

Allele frequency attached by ClinVar (database versions not stated): gnomAD exomes below 0.00001.
gnomAD v4.1: 2 of 1,613,872 alleles (0.00012%); highest among the groups gnomAD compares: East Asian, 0.0022%; no homozygotes.

Submissions (11):

CFTR2
Classification: Pathogenic for Cystic fibrosis. Last evaluated: 2017-03-17. Review status: reviewed by expert panel. Criteria: Sosnay PR et al. (Nat Genet 2013). Collection method: research. Allele origin: germline. Affected: yes. Study: CFTR2.

CeGaT Center for Human Genetics Tuebingen
Classification: Pathogenic. Last evaluated: 2026-07-01. Review status: criteria provided, single submitter. Criteria: CeGaT Center For Human Genetics Tuebingen Variant Classification Criteria Version 2. Collection method: clinical testing. Allele origin: germline. Affected: yes. Observed: 1 variant allele. Not counted in ClinVar's aggregate classification.
Comment: CFTR: PM3:Strong, PVS1:Strong, PM2

Natera, Inc.
Classification: Pathogenic for CFTR-related disorders. Last evaluated: 2024-04-08. Review status: criteria provided, single submitter. Criteria: Natera Variant Classification Schema (03/2026). Collection method: clinical testing. Allele origin: germline. Not counted in ClinVar's aggregate classification.
Comment: The c.4C>T variant in CFTR is a nonsense variant predicted to introduce a stop codon at amino acid 2. This variant is expected to result in nonsense mediated decay, truncation, or a dysfunctional protein product. This variant is rare in the general population with a frequency below the threshold expected for the associated phenotype(s). This variant has been observed in one or more individuals affected with the associated recessive disease, as either homozygous or compound heterozygous with a second variant (PMID: 23687349). Given the available evidence, this variant is classified as Pathogenic.

Women's Health and Genetics/Laboratory Corporation of America, LabCorp
Classification: Pathogenic for Cystic fibrosis. Last evaluated: 2023-06-14. Review status: criteria provided, single submitter. Criteria: LabCorp Variant Classification Summary - May 2015. Collection method: clinical testing. Allele origin: germline. Not counted in ClinVar's aggregate classification.
Comment: Variant summary: CFTR c.4C>T (p.Gln2X) results in a premature termination codon, predicted to cause an absence of the protein due to nonsense mediated decay, which is a commonly known mechanism for disease. The variant allele was found at a frequency of 4e-06 in 251152 control chromosomes. c.4C>T has been reported in the literature in individuals affected with Cystic Fibrosis (example, Savov_1994, Alonso_2007, Alper_2004, Trujillano_2013, Bresnick_2021). These data indicate that the variant is likely to be associated with disease. The following publications have been ascertained in the context of this evaluation (PMID: 17331079, 15365999, 34857524, 7512860, 23687349). Multiple clinical diagnostic laboratories and databases have submitted clinical-significance assessments for this variant to ClinVar after 2014. All submitters classified the variant as pathogenic. Based on the evidence outlined above, the variant was classified as pathogenic.

Baylor Genetics
Classification: Pathogenic for Bronchiectasis with or without elevated sweat chloride 1. Last evaluated: 2023-05-12. Review status: criteria provided, single submitter. Criteria: ACMG Guidelines, 2015. Collection method: clinical testing. Allele origin: unknown. Not counted in ClinVar's aggregate classification.

Labcorp Genetics (formerly Invitae), Labcorp
Classification: Pathogenic for Cystic fibrosis. Last evaluated: 2023-01-22. Review status: criteria provided, single submitter. Criteria: Invitae Variant Classification Sherloc (09022015). Collection method: clinical testing. Allele origin: germline. Not counted in ClinVar's aggregate classification.
Comment: This sequence change creates a premature translational stop signal (p.Gln2*) in the CFTR gene. It is expected to result in an absent or disrupted protein product. Loss-of-function variants in CFTR are known to be pathogenic (PMID: 1695717, 7691345, 9725922). For these reasons, this variant has been classified as Pathogenic. ClinVar contains an entry for this variant (Variation ID: 53980). This premature translational stop signal has been observed in individual(s) with CFTR-related conditions (PMID: 7512860). This variant is present in population databases (rs397508740, gnomAD 0.006%).

Johns Hopkins Genomics, Johns Hopkins University
Classification: Pathogenic for Cystic fibrosis. Last evaluated: 2019-09-15. Review status: criteria provided, single submitter. Criteria: ACMG Guidelines, 2015. Collection method: clinical testing. Allele origin: germline. Not counted in ClinVar's aggregate classification.
Comment: Previously reported disease-causing CFTR variant. See CFTR2 for phenotype information.

Mendelics
Classification: Pathogenic for Cystic fibrosis. Last evaluated: 2018-11-05. Review status: criteria provided, single submitter. Criteria: Mendelics Assertion Criteria 2017. Collection method: clinical testing. Allele origin: unknown. Affected: yes. Not counted in ClinVar's aggregate classification.

CFTR-France
Classification: Pathogenic for cystic fibrosis. Last evaluated: 2018-01-29. Review status: criteria provided, single submitter. Criteria: Claustres M et al. (Hum Mutat 2017). Collection method: curation. Allele origin: germline. Affected: yes. Not counted in ClinVar's aggregate classification.

Ambry Genetics
Classification: Pathogenic for Cystic fibrosis. Last evaluated: 2015-04-20. Review status: criteria provided, single submitter. Criteria: Ambry Variant Classification Scheme 2023. Collection method: clinical testing. Allele origin: germline. Not counted in ClinVar's aggregate classification.
Comment: The p.Q2* mutation (also known as c.4C>T) located in coding exon 1 of the CFTR gene, results from a C to T substitution at nucleotide position 4. This changes the amino acid from a glutamine to a stop codon within coding exon 1. In addition to the clinical data presented in the literature, since premature stop codons are typically deleterious in nature, this alteration is interpreted as a disease-causing mutation (ACMG Recommendations for Standards for Interpretation and Reporting of Sequence Variations. Revision 2007. Genet Med. 2008;10:294).

ClinVar Staff, National Center for Biotechnology Information (NCBI)
No classification provided. Condition: CFTR-related disorders. Review status: no classification provided. Collection method: literature only. Allele origin: germline. Affected: yes. Not counted in ClinVar's aggregate classification.

Literature cited by the submitters: PubMed 23687349 (cited by Natera, Inc. and Women's Health and Genetics/Laboratory Corporation of America, LabCorp); PubMed 17331079 (cited by Women's Health and Genetics/Laboratory Corporation of America, LabCorp and ClinVar Staff, National Center for Biotechnology Information (NCBI)); PubMed 7512860 (cited by 3 submitters); PubMed 15365999 (cited by Women's Health and Genetics/Laboratory Corporation of America, LabCorp); PubMed 34857524 (cited by Women's Health and Genetics/Laboratory Corporation of America, LabCorp); PubMed 1695717 (cited by Labcorp Genetics (formerly Invitae), Labcorp); PubMed 7691345 (cited by Labcorp Genetics (formerly Invitae), Labcorp); PubMed 9725922 (cited by Labcorp Genetics (formerly Invitae), Labcorp); PubMed 16037690 (cited by Ambry Genetics).